The following is an entry in ClinVar:

ClinVar aggregate classification (germline): Uncertain significance. Review status: criteria provided, multiple submitters, no conflicts (2 of 4 stars). 2 submissions from 2 submitters: Uncertain significance (2). Last evaluated 2024-08-20.

gnomAD v4.1: 7 of 1,613,392 alleles (0.00043%); highest among the groups gnomAD compares: Middle Eastern, 0.033%; no homozygotes.

Submissions (2):

Blueprint Genetics
Classification: Uncertain significance. Last evaluated: 2024-08-20. Review status: criteria provided, single submitter. Criteria: ACMG Guidelines, 2015. Collection method: clinical testing. Allele origin: germline.

Labcorp Genetics (formerly Invitae), Labcorp
Classification: Uncertain significance. Last evaluated: 2024-02-24. Review status: criteria provided, single submitter. Criteria: Invitae Variant Classification Sherloc (09022015). Collection method: clinical testing. Allele origin: germline.
Comment: This sequence change replaces valine, which is neutral and non-polar, with leucine, which is neutral and non-polar, at codon 1706 of the ABCA4 protein (p.Val1706Leu). This variant is present in population databases (no rsID available, gnomAD 0.002%). This variant has not been reported in the literature in individuals affected with ABCA4-related conditions. ClinVar contains an entry for this variant (Variation ID: 1374224). Advanced modeling of protein sequence and biophysical properties (such as structural, functional, and spatial information, amino acid conservation, physicochemical variation, residue mobility, and thermodynamic stability) performed at Invitae indicates that this missense variant is expected to disrupt ABCA4 protein function with a positive predictive value of 95%. In summary, the available evidence is currently insufficient to determine the role of this variant in disease. Therefore, it has been classified as a Variant of Uncertain Significance.

NM_000350.3(ABCA4):c.5116G>T (p.Val1706Leu)

Gene: ABCA4 (ATP binding cassette subfamily A member 4; minus strand). Cytogenetic location: 1p22.1.
Variant type: single nucleotide variant.
Coding change: c.5116G>T on transcript NM_000350.3 (MANE Select); coding-DNA position 5116, G replaced by T.
Protein change: p.Val1706Leu; replaces valine 1706 with leucine.
Molecular consequence: missense variant.
Genome position (GRCh38, 1-based): chr1:94,019,662, C>A on the plus strand (G>T on the coding strand, the complement: ABCA4 is on the minus strand). VCF-style: chr1-94019662-C-A. GRCh37 (hg19) VCF-style: chr1-94485218-C-A.
Other names: c.4894G>T, p.Val1632Leu (NM_001425324.1); short protein forms V1706L, V1632L.
Identifiers: ClinVar variation 1374224 (VCV001374224.8), dbSNP rs1044818989, ClinGen allele CA341282679.